The following is an entry in ClinVar:

NM_001347886.2(DNAH3):c.7789C>G (p.Leu2597Val)

Gene: DNAH3 (dynein axonemal heavy chain 3; minus strand). Cytogenetic location: 16p12.3.
Variant type: single nucleotide variant.
Coding change: c.7789C>G on transcript NM_001347886.2 (MANE Select); coding-DNA position 7789, C replaced by G.
Protein change: p.Leu2597Val; replaces leucine 2597 with valine.
Molecular consequence: missense variant.
Genome position (GRCh38, 1-based): chr16:20,979,479, G>C on the plus strand (C>G on the coding strand, the complement: DNAH3 is on the minus strand). VCF-style: chr16-20979479-G-C. GRCh37 (hg19) VCF-style: chr16-20990801-G-C.
Other names: c.7927C>G, p.Leu2643Val (NM_017539.2); c.7927C>G (NM_017539.1); short protein forms L2597V, L2643V.
Identifiers: ClinVar variation 3774731 (VCV003774731.2).
Genomic context (GRCh38, chr16:20,979,479, plus strand): 5'-TCTTGAAGGTTAGAATCAATTCAAGGTAGGAGGTGGGGGTAACATAGTTGTGTCTTCGAA[G>C]TTTGTTGTAATAATCGAGTGACAGCTTCTTGACGCTCTCTTGGAAATATTTGCACATGGA-3'
Protein context (NP_001334815.1, residues 2587-2607): KKLSLDYYNK[Leu2597Val]RRHNYVTPTS

ClinVar aggregate classification (germline): Uncertain significance. Review status: criteria provided, multiple submitters, no conflicts (2 of 4 stars). 2 submissions from 2 submitters: Uncertain significance (2). Last evaluated 2025-08-21.

gnomAD v4.1: 200 of 1,614,134 alleles (0.012%); highest among the groups gnomAD compares: Non-Finnish European, 0.016%; no homozygotes.

Submissions (2):

Ambry Genetics
Classification: Uncertain significance. Last evaluated: 2025-08-21. Review status: criteria provided, single submitter. Criteria: Ambry Variant Classification Scheme 2023. Collection method: clinical testing. Allele origin: germline.

GeneDx
Classification: Uncertain significance. Last evaluated: 2022-03-08. Review status: criteria provided, single submitter. Criteria: GeneDx Variant Classification Process June 2021. Collection method: clinical testing. Allele origin: germline. Affected: yes.
Comment: In silico analysis supports that this missense variant has a deleterious effect on protein structure/function; Has not been previously published as pathogenic or benign to our knowledge; Variants in candidate genes are classified as variants of uncertain significance in accordance with ACMG guidelines (Richards et al., 2015)